The following is an entry in ClinVar:

ClinVar aggregate classification (germline): Uncertain significance (1 of 4 stars; one submission).

Conditions:
Developmental delay, impaired speech, and behavioral abnormalities. Identifiers: MedGen C5561957, MONDO:0859178, OMIM 619475.

Submission:

Pittsburgh Clinical Genomics Laboratory, University of Pittsburgh Medical Center
Classification: Uncertain significance for Developmental delay, impaired speech, and behavioral abnormalities. Last evaluated: 2023-05-23. Review status: criteria provided, single submitter. Criteria: ACMG Guidelines, 2015. Collection method: clinical testing. Allele origin: germline. Inheritance: Autosomal dominant inheritance. Affected: yes.
Comment: This sequence variant is a single nucleotide substitution (A>T) at position 6746 of the coding sequence of the SPTBN1 gene that results in a tyrosine to phenylalanine amino acid change at residue 2249 of the SPTBN1 protein. The 2249 residue falls in the PH domain (Uniprot) which plays a critical role in localization of SPTBN1 to cellular membranes. This variant has not been previously reported to ClinVar nor observed in the literature in individuals with SPTBN1-related disease, to our knowledge. This variant is absent from the gnomAD population database (0/~250,000 alleles). Multiple bioinformatic tools predict that this tyrosine to phenylalanine amino acid change would be neutral, and the Tyr2249 residue at this position is highly conserved across the vertebrate species examined. Studies examining the functiol consequence of this variant have not been performed, to our knowledge. At this time, there is insufficient evidence to determine if this variant is pathogenic or benign. Therefore, we consider this to be a variant of uncertain significance. ACMG Criteria: PM2

NM_003128.3(SPTBN1):c.6746A>T (p.Tyr2249Phe)

Genes: SPTBN1 (spectrin beta, non-erythrocytic 1; plus strand), SPTBN1-AS2 (SPTBN1 antisense RNA 2; minus strand). Cytogenetic location: 2p16.2.
Variant type: single nucleotide variant.
Coding change: c.6746A>T on transcript NM_003128.3 (MANE Select); coding-DNA position 6746, A replaced by T.
Protein change: p.Tyr2249Phe; replaces tyrosine 2249 with phenylalanine.
Molecular consequence: missense variant.
Genome position (GRCh38, 1-based): chr2:54,666,001, A>T. VCF-style: chr2-54666001-A-T. GRCh37 (hg19) VCF-style: chr2-54893138-A-T.
Other names: short protein forms Y2249F.
Identifiers: ClinVar variation 3376322 (VCV003376322.1).